The following is an entry in ClinVar:

ClinVar aggregate classification (germline): Pathogenic (1 of 4 stars; one submission).

Submission:

Labcorp Genetics (formerly Invitae), Labcorp
Classification: Pathogenic. Last evaluated: 2019-06-25. Review status: criteria provided, single submitter. Criteria: Invitae Variant Classification Sherloc (09022015). Collection method: clinical testing. Allele origin: germline.
Comment: This variant is an out-of-frame deletion of the genomic region encompassing exons 17-18 of the PHEX gene. This is expected to create a premature translational stop signal and result in an absent or disrupted protein product. This variant has not been reported in the literature in individuals with PHEX-related conditions. Loss-of-function variants in PHEX are known to be pathogenic (PMID: 9097956, 9106524, 19219621). For these reasons, this variant has been classified as Pathogenic.

NC_000023.11:g.(?_22219036)_(22221743_?)del

Gene: PHEX (phosphate regulating endopeptidase X-linked; plus strand). Cytogenetic location: Xp22.11.
Variant type: Deletion.
Identifiers: ClinVar variation 831408 (VCV000831408.1).